The following is an entry in ClinVar:

NM_001128159.3(VPS53):c.2178C>T (p.Thr726=)

Gene: VPS53 (VPS53 subunit of GARP complex; minus strand). Cytogenetic location: 17p13.3.
Variant type: single nucleotide variant.
Coding change: c.2178C>T on transcript NM_001128159.3 (MANE Select); coding-DNA position 2178, C replaced by T.
Protein change: p.Thr726=; no amino-acid change (threonine 726 retained).
Molecular consequence: synonymous variant.
Genome position (GRCh38, 1-based): chr17:521,646, G>A on the plus strand (C>T on the coding strand, the complement: VPS53 is on the minus strand). VCF-style: chr17-521646-G-A. GRCh37 (hg19) VCF-style: chr17-424886-G-A.
Identifiers: ClinVar variation 1620693 (VCV001620693.32), dbSNP rs775518663, ClinGen allele CA8261167.

ClinVar aggregate classification (germline): Benign/Likely benign. Review status: criteria provided, multiple submitters, no conflicts (2 of 4 stars). 2 submissions from 2 submitters: Benign (1); Likely benign (1). Last evaluated 2026-01-11.

Allele frequency attached by ClinVar (database versions not stated): gnomAD exomes 0.00009 and 0.00021; gnomAD 0.00013 and 0.00014; TOPMed 0.00013; ExAC 0.00036.

Submissions (2):

Labcorp Genetics (formerly Invitae), Labcorp
Classification: Benign. Last evaluated: 2026-01-11. Review status: criteria provided, single submitter. Criteria: Invitae Variant Classification Sherloc (09022015). Collection method: clinical testing. Allele origin: germline.

CeGaT Center for Human Genetics Tuebingen
Classification: Likely benign. Last evaluated: 2022-07-01. Review status: criteria provided, single submitter. Criteria: CeGaT Center For Human Genetics Tuebingen Variant Classification Criteria Version 2. Collection method: clinical testing. Allele origin: germline. Affected: yes. Observed: 1 variant allele.
Comment: VPS53: BP4, BP7